The following is an entry in ClinVar:

ClinVar aggregate classification (germline): Uncertain significance. Review status: criteria provided, multiple submitters, no conflicts (2 of 4 stars). 2 submissions from 2 submitters: Uncertain significance (2). Last evaluated 2025-11-04.

Conditions:
Hereditary cancer-predisposing syndrome. Also called: Neoplastic Syndromes, Hereditary; Tumor predisposition; Hereditary Cancer Syndrome; Hereditary neoplastic syndrome. Identifiers: Orphanet 140162, MedGen C0027672, MeSH D009386, MONDO:0015356.
Bloom syndrome (BLM). Also called: Bloom-Torre-Machacek syndrome. Identifiers: Orphanet 125, MedGen C0005859, MONDO:0008876, OMIM 210900.

Submissions (2):

Ambry Genetics
Classification: Uncertain significance for Hereditary cancer-predisposing syndrome. Last evaluated: 2025-11-04. Review status: criteria provided, single submitter. Criteria: Ambry Variant Classification Scheme 2023. Collection method: clinical testing. Allele origin: germline.
Comment: The p.D326Y variant (also known as c.976G>T), located in coding exon 4 of the BLM gene, results from a G to T substitution at nucleotide position 976. The aspartic acid at codon 326 is replaced by tyrosine, an amino acid with highly dissimilar properties. This amino acid position is conserved. In addition, this alteration is predicted to be tolerated by in silico analysis. Based on the available evidence, the clinical significance of this variant remains unclear.

Labcorp Genetics (formerly Invitae), Labcorp
Classification: Uncertain significance for Bloom syndrome. Last evaluated: 2022-08-12. Review status: criteria provided, single submitter. Criteria: Invitae Variant Classification Sherloc (09022015). Collection method: clinical testing. Allele origin: germline.
Comment: In summary, the available evidence is currently insufficient to determine the role of this variant in disease. Therefore, it has been classified as a Variant of Uncertain Significance. Algorithms developed to predict the effect of missense changes on protein structure and function are either unavailable or do not agree on the potential impact of this missense change (SIFT: "Tolerated"; PolyPhen-2: "Probably Damaging"; Align-GVGD: "Class C0"). This variant has not been reported in the literature in individuals affected with BLM-related conditions. This variant is not present in population databases (gnomAD no frequency). This sequence change replaces aspartic acid, which is acidic and polar, with tyrosine, which is neutral and polar, at codon 326 of the BLM protein (p.Asp326Tyr).

NM_000057.4(BLM):c.976G>T (p.Asp326Tyr)

Gene: BLM (BLM RecQ like helicase; plus strand). Cytogenetic location: 15q26.1.
Variant type: single nucleotide variant.
Coding change: c.976G>T on transcript NM_000057.4 (MANE Select); coding-DNA position 976, G replaced by T.
Protein change: p.Asp326Tyr; replaces aspartic acid 326 with tyrosine.
Molecular consequence: missense variant. On other transcripts: 5 prime UTR variant (1).
Genome position (GRCh38, 1-based): chr15:90,754,827, G>T. VCF-style: chr15-90754827-G-T. GRCh37 (hg19) VCF-style: chr15-91298057-G-T.
Other names: c.976G>T, p.Asp326Tyr (NM_001287246.2, NM_001287247.2); c.-316G>T (NM_001287248.2); short protein forms D326Y.
Identifiers: ClinVar variation 1716219 (VCV001716219.7), dbSNP rs1013220474, ClinGen allele CA393842015.